The following is an entry in ClinVar:

NM_000426.4(LAMA2):c.2962C>T (p.Gln988Ter)

Gene: LAMA2 (laminin subunit alpha 2; plus strand). Cytogenetic location: 6q22.33.
Variant type: single nucleotide variant.
Coding change: c.2962C>T on transcript NM_000426.4 (MANE Select); coding-DNA position 2962, C replaced by T.
Protein change: p.Gln988Ter; replaces glutamine 988 with a stop codon.
Molecular consequence: nonsense.
Genome position (GRCh38, 1-based): chr6:129,297,790, C>T. VCF-style: chr6-129297790-C-T. GRCh37 (hg19) VCF-style: chr6-129618935-C-T.
Other names: c.2962C>T, p.Gln988Ter (NM_001079823.2); short protein forms Q988*.
Identifiers: ClinVar variation 92950 (VCV000092950.17), dbSNP rs398123371, ClinGen allele CA220758.

ClinVar aggregate classification (germline): Pathogenic. Review status: criteria provided, multiple submitters, no conflicts (2 of 4 stars). 6 submissions from 6 submitters: Pathogenic (5). 1 of the submissions does not count toward it. Last evaluated 2025-12-10.

Conditions:
LAMA2-related muscular dystrophy (LAMA2-RD). Also called: Laminin alpha 2-related dystrophy. Identifiers: MedGen C5679788, MONDO:0100228.
Merosin deficient congenital muscular dystrophy (MDC1A). Also called: Congenital merosin-deficient muscular dystrophy 1A; Congenital Muscular Dystrophy Type 1A (MDC1A). Identifiers: Orphanet 258, MedGen C1263858, MONDO:0011925, OMIM 607855.

Allele frequency attached by ClinVar (database versions not stated): gnomAD exomes below 0.00001.
gnomAD v4.1: 3 of 1,614,020 alleles (0.00019%); highest among the groups gnomAD compares: Non-Finnish European, 0.00025%; no homozygotes.

Submissions (6):

Labcorp Genetics (formerly Invitae), Labcorp
Classification: Pathogenic for LAMA2-related muscular dystrophy. Last evaluated: 2025-12-10. Review status: criteria provided, single submitter. Criteria: Invitae Variant Classification Sherloc (09022015). Collection method: clinical testing. Allele origin: germline.
Comment: This sequence change creates a premature translational stop signal (p.Gln988*) in the LAMA2 gene. It is expected to result in an absent or disrupted protein product. Loss-of-function variants in LAMA2 are known to be pathogenic (PMID: 18700894, 32904964). This variant is not present in population databases (gnomAD no frequency). This premature translational stop signal has been observed in individual(s) with congenital muscular dystrophy (PMID: 9541105). ClinVar contains an entry for this variant (Variation ID: 92950). For these reasons, this variant has been classified as Pathogenic.

Women's Health and Genetics/Laboratory Corporation of America, LabCorp
Classification: Pathogenic for LAMA2-related muscular dystrophy. Last evaluated: 2023-09-13. Review status: criteria provided, single submitter. Criteria: LabCorp Variant Classification Summary - May 2015. Collection method: clinical testing. Allele origin: germline.
Comment: Variant summary: LAMA2 c.2962C>T (p.Gln988X) results in a premature termination codon, predicted to cause absence of the protein due to nonsense mediated decay, which is a commonly known mechanism for disease. The variant was absent in 251312 control chromosomes (gnomAD). c.2962C>T has been reported in the literature in an individual affected with Laminin Alpha 2-Related Dystrophy who was compound heterozygous with a structural LAMA2 variant expected to result in a frameshift (Bruels_2022). The following publication has been ascertained in the context of this evaluation (PMID: 35734998). Three submitters have cited clinical-significance assessments for this variant to ClinVar after 2014. All submitters classified the variant as pathogenic/likely pathogenic. Based on the evidence outlined above, the variant was classified as pathogenic.

Baylor Genetics
Classification: Pathogenic for Merosin deficient congenital muscular dystrophy. Last evaluated: 2023-05-15. Review status: criteria provided, single submitter. Criteria: ACMG Guidelines, 2015. Collection method: clinical testing. Allele origin: unknown.

Revvity Omics, Revvity
Classification: Pathogenic. Last evaluated: 2020-09-29. Review status: criteria provided, single submitter. Criteria: ACMG Guidelines, 2015. Collection method: clinical testing. Allele origin: germline.

Eurofins Ntd Llc (ga)
Classification: Pathogenic. Last evaluated: 2013-06-04. Review status: criteria provided, single submitter. Criteria: EGL Classification Definitions. Collection method: clinical testing. Allele origin: germline. Observed: 1 variant allele, 1 heterozygote.

Counsyl
Classification: Likely pathogenic for Merosin deficient congenital muscular dystrophy. Last evaluated: 2017-05-16. Review status: no assertion criteria provided. Collection method: clinical testing. Allele origin: unknown. Not counted in ClinVar's aggregate classification.

Literature cited by the submitters: PubMed 18700894 (cited by Labcorp Genetics (formerly Invitae), Labcorp); PubMed 32904964 (cited by Labcorp Genetics (formerly Invitae), Labcorp); PubMed 9541105 (cited by Labcorp Genetics (formerly Invitae), Labcorp and Counsyl); PubMed 35734998 (cited by Women's Health and Genetics/Laboratory Corporation of America, LabCorp); PubMed 25663498 (cited by Counsyl).